The following is an entry in ClinVar:

ClinVar aggregate classification (germline): Pathogenic (1 of 4 stars; one submission).

Submission:

Labcorp Genetics (formerly Invitae), Labcorp
Classification: Pathogenic. Last evaluated: 2021-10-06. Review status: criteria provided, single submitter. Criteria: Invitae Variant Classification Sherloc (09022015). Collection method: clinical testing. Allele origin: germline.
Comment: This sequence change creates a premature translational stop signal (p.Glu1228*) in the LRPPRC gene. It is expected to result in an absent or disrupted protein product. Loss-of-function variants in LRPPRC are known to be pathogenic (PMID: 26510951). For these reasons, this variant has been classified as Pathogenic. This variant has not been reported in the literature in individuals affected with LRPPRC-related conditions. This variant is not present in population databases (ExAC no frequency).

Literature cited by the submitters: PubMed 26510951.

NM_133259.4(LRPPRC):c.3682G>T (p.Glu1228Ter)

Gene: LRPPRC (leucine rich pentatricopeptide repeat containing; minus strand). Cytogenetic location: 2p21.
Variant type: single nucleotide variant.
Coding change: c.3682G>T on transcript NM_133259.4 (MANE Select); coding-DNA position 3682, G replaced by T.
Protein change: p.Glu1228Ter; replaces glutamic acid 1228 with a stop codon.
Molecular consequence: nonsense.
Genome position (GRCh38, 1-based): chr2:43,899,493, C>A on the plus strand (G>T on the coding strand, the complement: LRPPRC is on the minus strand). VCF-style: chr2-43899493-C-A. GRCh37 (hg19) VCF-style: chr2-44126632-C-A.
Other names: short protein forms E1228*.
Identifiers: ClinVar variation 1454185 (VCV001454185.6), dbSNP rs2104989806, ClinGen allele CA346676846.